The following is an entry in ClinVar:

NM_000204.5(CFI):c.601A>G (p.Arg201Gly)

Gene: CFI (complement factor I; minus strand). Cytogenetic location: 4q25.
Variant type: single nucleotide variant.
Coding change: c.601A>G on transcript NM_000204.5 (MANE Select); coding-DNA position 601, A replaced by G.
Protein change: p.Arg201Gly; replaces arginine 201 with glycine.
Molecular consequence: missense variant. On other transcripts: 5 prime UTR variant (1), non-coding transcript variant (3).
Genome position (GRCh38, 1-based): chr4:109,761,574, T>C on the plus strand (A>G on the coding strand, the complement: CFI is on the minus strand). VCF-style: chr4-109761574-T-C. GRCh37 (hg19) VCF-style: chr4-110682730-T-C.
Other names: c.601A>G (NM_000204.3); c.601A>G, p.Arg201Gly (NM_001318057.2, NM_001331035.2, NM_001375278.1 and 5 more transcripts); c.-9A>G (NM_001375284.1); short protein forms R201G.
Identifiers: ClinVar variation 1403457 (VCV001403457.9), dbSNP rs887070139, ClinGen allele CA103696042.

ClinVar aggregate classification (germline): Uncertain significance. Review status: criteria provided, multiple submitters, no conflicts (2 of 4 stars). 3 submissions from 3 submitters: Uncertain significance (3). Last evaluated 2025-04-13.

Conditions:
Factor I deficiency (CFID). Also called: Complement factor I deficiency. Identifiers: Orphanet 200418, MedGen C3463916, MONDO:0012594, OMIM 610984.
Atypical hemolytic-uremic syndrome with I factor anomaly. Also called: HEMOLYTIC UREMIC SYNDROME, ATYPICAL, SUSCEPTIBILITY TO, 3; AHUS, SUSCEPTIBILITY TO, 3. Identifiers: Orphanet 2134, MedGen C2752039, MONDO:0013041, OMIM 612923.
Age related macular degeneration 13. Identifiers: MedGen C3809523, MONDO:0014189, OMIM 615439.
Inborn genetic diseases. Identifiers: MedGen C0950123, MeSH D030342.

Allele frequency attached by ClinVar (database versions not stated): gnomAD exomes below 0.00001 and 0.00001; TOPMed 0.00001.
gnomAD v4.1: 11 of 1,614,166 alleles (0.00068%); highest among the groups gnomAD compares: Non-Finnish European, 0.00085%; no homozygotes.

Submissions (3):

Ambry Genetics
Classification: Uncertain significance for Inborn genetic diseases. Last evaluated: 2025-04-13. Review status: criteria provided, single submitter. Criteria: Ambry Variant Classification Scheme 2023. Collection method: clinical testing. Allele origin: germline.

Labcorp Genetics (formerly Invitae), Labcorp
Classification: Uncertain significance. Last evaluated: 2024-11-06. Review status: criteria provided, single submitter. Criteria: Invitae Variant Classification Sherloc (09022015). Collection method: clinical testing. Allele origin: germline.
Comment: This sequence change replaces arginine, which is basic and polar, with glycine, which is neutral and non-polar, at codon 201 of the CFI protein (p.Arg201Gly). This variant is present in population databases (no rsID available, gnomAD 0.0009%). This variant has not been reported in the literature in individuals affected with CFI-related conditions. ClinVar contains an entry for this variant (Variation ID: 1403457). Invitae Evidence Modeling of protein sequence and biophysical properties (such as structural, functional, and spatial information, amino acid conservation, physicochemical variation, residue mobility, and thermodynamic stability) indicates that this missense variant is not expected to disrupt CFI protein function with a negative predictive value of 80%. In summary, the available evidence is currently insufficient to determine the role of this variant in disease. Therefore, it has been classified as a Variant of Uncertain Significance.

Fulgent Genetics
Classification: Uncertain significance for Factor I deficiency; Atypical hemolytic-uremic syndrome with I factor anomaly; Age related macular degeneration 13. Last evaluated: 2024-01-29. Review status: criteria provided, single submitter. Criteria: ACMG Guidelines, 2015. Collection method: clinical testing. Allele origin: germline.